The following is an entry in ClinVar:

NM_022482.5(GZF1):c.2003C>A (p.Thr668Lys)

Gene: GZF1 (GDNF inducible zinc finger protein 1; plus strand). Cytogenetic location: 20p11.21.
Variant type: single nucleotide variant.
Coding change: c.2003C>A on transcript NM_022482.5 (MANE Select); coding-DNA position 2003, C replaced by A.
Protein change: p.Thr668Lys; replaces threonine 668 with lysine.
Molecular consequence: missense variant.
Genome position (GRCh38, 1-based): chr20:23,370,308, C>A. VCF-style: chr20-23370308-C-A. GRCh37 (hg19) VCF-style: chr20-23350945-C-A.
Other names: c.2003C>A, p.Thr668Lys (NM_001317012.2); c.1957C>A, p.Gln653Lys (NM_001317019.1); short protein forms Q653K, T668K.
Identifiers: ClinVar variation 1409268 (VCV001409268.6), dbSNP rs774836910, ClinGen allele CA9788859.

ClinVar aggregate classification (germline): Uncertain significance (1 of 4 stars; one submission).

Allele frequency attached by ClinVar (database versions not stated): gnomAD exomes below 0.00001 and 0.00001; ExAC 0.00002.

Submission:

Labcorp Genetics (formerly Invitae), Labcorp
Classification: Uncertain significance. Last evaluated: 2022-06-27. Review status: criteria provided, single submitter. Criteria: Invitae Variant Classification Sherloc (09022015). Collection method: clinical testing. Allele origin: germline.
Comment: This sequence change replaces threonine with lysine at codon 668 of the GZF1 protein (p.Thr668Lys). The threonine residue is weakly conserved and there is a moderate physicochemical difference between threonine and lysine. In summary, the available evidence is currently insufficient to determine the role of this variant in disease. Therefore, it has been classified as a Variant of Uncertain Significance. Algorithms developed to predict the effect of missense changes on protein structure and function are either unavailable or do not agree on the potential impact of this missense change (SIFT: "Not Available"; PolyPhen-2: "Benign"; Align-GVGD: "Not Available"). This variant has not been reported in the literature in individuals affected with GZF1-related conditions. This variant is present in population databases (rs774836910, gnomAD 0.006%).